The following is an entry in ClinVar:

ClinVar aggregate classification (germline): Uncertain significance (1 of 4 stars; one submission).

Allele frequency attached by ClinVar (database versions not stated): gnomAD 0.00001; TOPMed 0.00002.
gnomAD v4.1: 9 of 1,612,632 alleles (0.00056%); highest among the groups gnomAD compares: Non-Finnish European, 0.00076%; no homozygotes.

Submission:

Labcorp Genetics (formerly Invitae), Labcorp
Classification: Uncertain significance. Last evaluated: 2025-01-13. Review status: criteria provided, single submitter. Criteria: Invitae Variant Classification Sherloc (09022015). Collection method: clinical testing. Allele origin: germline.
Comment: This sequence change replaces asparagine, which is neutral and polar, with lysine, which is basic and polar, at codon 212 of the TTLL5 protein (p.Asn212Lys). This variant is not present in population databases (gnomAD no frequency). This variant has not been reported in the literature in individuals affected with TTLL5-related conditions. ClinVar contains an entry for this variant (Variation ID: 1490625). Invitae Evidence Modeling of protein sequence and biophysical properties (such as structural, functional, and spatial information, amino acid conservation, physicochemical variation, residue mobility, and thermodynamic stability) indicates that this missense variant is not expected to disrupt TTLL5 protein function with a negative predictive value of 80%. In summary, the available evidence is currently insufficient to determine the role of this variant in disease. Therefore, it has been classified as a Variant of Uncertain Significance.

NM_015072.5(TTLL5):c.636C>A (p.Asn212Lys)

Gene: TTLL5 (tubulin tyrosine ligase like 5; plus strand). Cytogenetic location: 14q24.3.
Variant type: single nucleotide variant.
Coding change: c.636C>A on transcript NM_015072.5 (MANE Select); coding-DNA position 636, C replaced by A.
Protein change: p.Asn212Lys; replaces asparagine 212 with lysine.
Molecular consequence: missense variant.
Genome position (GRCh38, 1-based): chr14:75,707,068, C>A. VCF-style: chr14-75707068-C-A. GRCh37 (hg19) VCF-style: chr14-76173411-C-A.
Other names: short protein forms N212K.
Identifiers: ClinVar variation 1490625 (VCV001490625.8), dbSNP rs1014500396, ClinGen allele CA263682606.
Genomic context (GRCh38, chr14:75,707,068, plus strand): 5'-TACTCAATAGCCAAACCAGATCTCCCTGGAAGAGAACATTTTGGTCTCCCGTTACATTAA[C>A]AACCCCCTGCTCATAGATGGTGAGTTGTGATTAGGCCCTTGACCAAATTGGGCCAGATTT-3'
Protein context (NP_055887.3, residues 202-222): EENILVSRYI[Asn212Lys]NPLLIDDFKF